The following is an entry in ClinVar:

NM_022788.5(P2RY12):c.428T>C (p.Ile143Thr)

Genes: MED12L (mediator complex subunit 12L; plus strand), P2RY12 (purinergic receptor P2Y12; minus strand). Cytogenetic location: 3q25.1.
Variant type: single nucleotide variant.
Coding change: c.428T>C on transcript NM_022788.5 (MANE Select); coding-DNA position 428, T replaced by C.
Protein change: p.Ile143Thr; replaces isoleucine 143 with threonine.
Molecular consequence: missense variant. On other transcripts: intron variant (2).
Genome position (GRCh38, 1-based): chr3:151,338,418, A>G on the plus strand (T>C on the coding strand, the complement: P2RY12 is on the minus strand). VCF-style: chr3-151338418-A-G. GRCh37 (hg19) VCF-style: chr3-151056206-A-G.
Other names: c.428T>C, p.Ile143Thr (NM_176876.3); c.2251-11641A>G (NM_001393769.1); c.2146-11641A>G (NM_053002.6); short protein forms I143T.
Identifiers: ClinVar variation 4728749 (VCV004728749.1).

ClinVar aggregate classification (germline): Uncertain significance (1 of 4 stars; one submission).

Submission:

Labcorp Genetics (formerly Invitae), Labcorp
Classification: Uncertain significance. Last evaluated: 2025-10-13. Review status: criteria provided, single submitter. Criteria: Invitae Variant Classification Sherloc (09022015). Collection method: clinical testing. Allele origin: germline.
Comment: This sequence change replaces isoleucine, which is neutral and non-polar, with threonine, which is neutral and polar, at codon 143 of the P2RY12 protein (p.Ile143Thr). This variant is not present in population databases (gnomAD no frequency). This variant has not been reported in the literature in individuals affected with P2RY12-related conditions. An algorithm developed to predict the effect of missense changes on protein structure and function (PolyPhen-2) suggests that this variant is likely to be tolerated. In summary, the available evidence is currently insufficient to determine the role of this variant in disease. Therefore, it has been classified as a Variant of Uncertain Significance.